The following is an entry in ClinVar:

NM_001321967.2(ATAD1):c.965+3A>G

Gene: ATAD1 (ATPase family AAA domain containing 1; minus strand). Cytogenetic location: 10q23.31.
Variant type: single nucleotide variant.
Coding change: c.965+3A>G on transcript NM_001321967.2 (MANE Select); 3 bases into the intron after coding-DNA position 965, A replaced by G.
Molecular consequence: intron variant.
Genome position (GRCh38, 1-based): chr10:87,756,786, T>C on the plus strand (A>G on the coding strand, the complement: ATAD1 is on the minus strand). VCF-style: chr10-87756786-T-C. GRCh37 (hg19) VCF-style: chr10-89516543-T-C.
Other names: c.875+3A>G (NM_001321968.2); c.608+3A>G (NM_001321969.2); c.965+3A>G (NM_032810.4).
Identifiers: ClinVar variation 1375027 (VCV001375027.4), dbSNP rs1046412582, ClinGen allele CA211245347.

ClinVar aggregate classification (germline): Uncertain significance (1 of 4 stars; one submission).

Allele frequency attached by ClinVar (database versions not stated): gnomAD exomes below 0.00001; gnomAD 0.00001; TOPMed below 0.00001.
gnomAD v4.1: 5 of 1,589,214 alleles (0.00031%); highest among the groups gnomAD compares: Non-Finnish European, 0.00043%; no homozygotes.

Submission:

Labcorp Genetics (formerly Invitae), Labcorp
Classification: Uncertain significance. Last evaluated: 2025-07-22. Review status: criteria provided, single submitter. Criteria: Invitae Variant Classification Sherloc (09022015). Collection method: clinical testing. Allele origin: germline.
Comment: This sequence change falls in intron 9 of the ATAD1 gene. It does not directly change the encoded amino acid sequence of the ATAD1 protein. It affects a nucleotide within the consensus splice site. This variant is not present in population databases (gnomAD no frequency). This variant has not been reported in the literature in individuals affected with ATAD1-related conditions. ClinVar contains an entry for this variant (Variation ID: 1375027). Variants that disrupt the consensus splice site are a relatively common cause of aberrant splicing (PMID: 17576681, 9536098). Algorithms developed to predict the effect of sequence changes on RNA splicing suggest that this variant is not likely to affect RNA splicing. In summary, the available evidence is currently insufficient to determine the role of this variant in disease. Therefore, it has been classified as a Variant of Uncertain Significance.

Literature cited by the submitters: PubMed 17576681; PubMed 9536098.